The following is an entry in ClinVar:

ClinVar aggregate classification (germline): Likely benign (0 of 4 stars; one submission).

Conditions:
ATR-related disorder. Also called: ATR-related condition.

Submission:

PreventionGenetics, part of Exact Sciences
Classification: Likely benign for ATR-related condition. Last evaluated: 2023-12-15. Review status: no assertion criteria provided. Collection method: clinical testing. Allele origin: germline.
Comment: This variant is classified as likely benign based on ACMG/AMP sequence variant interpretation guidelines (Richards et al. 2015 PMID: 25741868, with internal and published modifications).

NM_001184.4(ATR):c.6897+458_6897+459insTAGT

Gene: ATR (ATR checkpoint kinase; minus strand). Cytogenetic location: 3q23.
Variant type: Insertion.
Coding change: c.6897+458_6897+459insTAGT on transcript NM_001184.4 (MANE Select); bases 458 to 459 of the intron after coding-DNA position 6897, TAGT inserted.
Molecular consequence: intron variant.
Genome position: GRCh38 VCF-style: chr3-142465865-G-GACTA. GRCh37 (hg19) VCF-style: chr3-142184707-G-GACTA.
Other names: c.6705+458_6705+459insTAGT (NM_001354579.2).
Identifiers: ClinVar variation 3054537 (VCV003054537.2), dbSNP rs2473058407, ClinGen allele CA2740091029.